The following is an entry in ClinVar:

ClinVar aggregate classification (germline): Uncertain significance (1 of 4 stars; one submission).

Allele frequency attached by ClinVar (database versions not stated): TOPMed below 0.00001; gnomAD 0.00001.
gnomAD v4.1: 1 of 1,614,032 alleles (0.000062%); no homozygotes.

Submission:

GeneDx
Classification: Uncertain significance. Last evaluated: 2023-04-06. Review status: criteria provided, single submitter. Criteria: GeneDx Variant Classification Process June 2021. Collection method: clinical testing. Allele origin: germline. Affected: yes.
Comment: Not observed at significant frequency in large population cohorts (gnomAD); In silico analysis supports that this missense variant does not alter protein structure/function; Has not been previously published as pathogenic or benign to our knowledge

NM_020774.4(MIB1):c.856T>C (p.Cys286Arg)

Gene: MIB1 (MIB E3 ubiquitin protein ligase 1; plus strand). Cytogenetic location: 18q11.2.
Variant type: single nucleotide variant.
Coding change: c.856T>C on transcript NM_020774.4 (MANE Select); coding-DNA position 856, T replaced by C.
Protein change: p.Cys286Arg; replaces cysteine 286 with arginine.
Molecular consequence: missense variant.
Genome position (GRCh38, 1-based): chr18:21,779,633, T>C. VCF-style: chr18-21779633-T-C. GRCh37 (hg19) VCF-style: chr18-19359594-T-C.
Other names: short protein forms C286R.
Identifiers: ClinVar variation 2662422 (VCV002662422.1), dbSNP rs1401551275, ClinGen allele CA401744681.